The following is an entry in ClinVar:

NM_201384.3(PLEC):c.12893T>C (p.Met4298Thr)

Gene: PLEC (plectin; minus strand). Cytogenetic location: 8q24.3.
Variant type: single nucleotide variant.
Coding change: c.12893T>C on transcript NM_201384.3 (MANE Select); coding-DNA position 12893, T replaced by C.
Protein change: p.Met4298Thr; replaces methionine 4298 with threonine.
Molecular consequence: missense variant.
Genome position (GRCh38, 1-based): chr8:143,916,928, A>G on the plus strand (T>C on the coding strand, the complement: PLEC is on the minus strand). VCF-style: chr8-143916928-A-G. GRCh37 (hg19) VCF-style: chr8-144991096-A-G.
Other names: c.12974T>C, p.Met4325Thr (NM_000445.5); c.9593T>C, p.Met3198Thr (NM_001410941.1); c.12851T>C, p.Met4284Thr (NM_201378.4); c.12827T>C, p.Met4276Thr (NM_201379.3); c.13304T>C, p.Met4435Thr (NM_201380.4); c.12797T>C, p.Met4266Thr (NM_201381.3); c.12893T>C, p.Met4298Thr (NM_201382.4); c.12905T>C, p.Met4302Thr (NM_201383.3); short protein forms M3198T, M4298T, M4325T, M4266T, M4284T, M4435T, M4276T, M4302T.
Identifiers: ClinVar variation 4996564 (VCV004996564.1).

ClinVar aggregate classification (germline): Uncertain significance (1 of 4 stars; one submission).

Conditions:
PLEC-related disorder. Also called: PLEC-related disorders; PLEC-related condition.

gnomAD v4.1: 1 of 1,612,916 alleles (0.000062%); highest among the groups gnomAD compares: Non-Finnish European, 0.000085%; no homozygotes.

Submission:

PreventionGenetics, part of Exact Sciences
Classification: Uncertain significance for PLEC-related condition. Last evaluated: 2026-02-07. Review status: criteria provided, single submitter. Criteria: ACMG Guidelines, 2015. Collection method: clinical testing. Allele origin: germline.
Comment: The PLEC c.12974T>C variant is predicted to result in the amino acid substitution p.Met4325Thr. To our knowledge, this variant has not been reported in the literature or in a large population database (gnomAD), indicating this variant is rare. At this time, the clinical significance of this variant is uncertain due to the absence of conclusive functional and genetic evidence.